The following is an entry in ClinVar:

ClinVar aggregate classification (germline): Uncertain significance (1 of 4 stars; one submission).

Conditions:
Inborn genetic diseases. Identifiers: MedGen C0950123, MeSH D030342.

gnomAD v4.1: 2 of 1,614,006 alleles (0.00012%); highest among the groups gnomAD compares: Non-Finnish European, 0.00017%; no homozygotes.

Submission:

Ambry Genetics
Classification: Uncertain significance for Inborn genetic diseases. Last evaluated: 2025-12-30. Review status: criteria provided, single submitter. Criteria: Ambry Variant Classification Scheme 2023. Collection method: clinical testing. Allele origin: germline.
Comment: The p.T585A variant (also known as c.1753A>G), located in coding exon 16 of the KDM1A gene, results from an A to G substitution at nucleotide position 1753. The threonine at codon 585 is replaced by alanine, an amino acid with similar properties. This amino acid position is conserved. In addition, this alteration is predicted to be deleterious by in silico analysis. Based on the available evidence, the clinical significance of this variant remains unclear.

NM_001009999.3(KDM1A):c.1753A>G (p.Thr585Ala)

Gene: KDM1A (lysine demethylase 1A; plus strand). Cytogenetic location: 1p36.12.
Variant type: single nucleotide variant.
Coding change: c.1753A>G on transcript NM_001009999.3 (MANE Select); coding-DNA position 1753, A replaced by G.
Protein change: p.Thr585Ala; replaces threonine 585 with alanine.
Molecular consequence: missense variant.
Genome position (GRCh38, 1-based): chr1:23,077,246, A>G. VCF-style: chr1-23077246-A-G. GRCh37 (hg19) VCF-style: chr1-23403739-A-G.
Other names: c.1699A>G, p.Thr567Ala (NM_001363654.2); c.1759A>G, p.Thr587Ala (NM_001410762.1); c.1681A>G, p.Thr561Ala (NM_001410763.1, NM_015013.4); short protein forms T561A, T567A, T585A, T587A.
Identifiers: ClinVar variation 4841914 (VCV004841914.1).
Genomic context (GRCh38, chr1:23,077,246, plus strand): 5'-TTAATAAAAGGTTGGAAATATGTTCTTTTCTCTCCTCTTTAGGATGATGACTTTGAGTTC[A>G]CTGGCAGCCACCTGACAGTAAGGAATGGCTACTCGTGTGTGCCTGTGGCTTTAGCAGAAG-3'
Protein context (NP_001009999.1, residues 575-595): HWDQDDDFEF[Thr585Ala]GSHLTVRNGY